The following is an entry in ClinVar:

NM_205850.3(SLC24A5):c.1329C>G (p.Ile443Met)

Genes: MYEF2 (myelin expression factor 2; minus strand), SLC24A5 (solute carrier family 24 member 5; plus strand). Cytogenetic location: 15q21.1.
Variant type: single nucleotide variant.
Coding change: c.1329C>G on transcript NM_205850.3 (MANE Select); coding-DNA position 1329, C replaced by G.
Protein change: p.Ile443Met; replaces isoleucine 443 with methionine.
Molecular consequence: missense variant. On other transcripts: 3 prime UTR variant (2).
Genome position (GRCh38, 1-based): chr15:48,142,177, C>G. VCF-style: chr15-48142177-C-G. GRCh37 (hg19) VCF-style: chr15-48434374-C-G.
Other names: c.*731G>C (NM_001301210.2, NM_016132.5); c.1329C>G (NM_205850.2); short protein forms I443M.
Identifiers: ClinVar variation 2181814 (VCV002181814.5), dbSNP rs1027715443, ClinGen allele CA269995039.
Genomic context (GRCh38, chr15:48,142,177, plus strand): 5'-ATTTATAAATGGATCAGCTCCTGCAGAAGTAAACAGCAGAGGACTAACTTACATAACCAT[C>G]TCTCTCAACATTTCAATTATTTTTCTTTTTTTAGCAGTTCACTTCAATGGCTGGAAACTA-3'
Protein context (NP_995322.1, residues 433-453): VNSRGLTYIT[Ile443Met]SLNISIIFLF

ClinVar aggregate classification (germline): Uncertain significance. Review status: criteria provided, multiple submitters, no conflicts (2 of 4 stars). 2 submissions from 2 submitters: Uncertain significance (2). Last evaluated 2025-04-13.

Conditions:
Inborn genetic diseases. Identifiers: MedGen C0950123, MeSH D030342.

Allele frequency attached by ClinVar (database versions not stated): gnomAD exomes below 0.00001; gnomAD 0.00002; TOPMed 0.00002.
gnomAD v4.1: 8 of 1,613,740 alleles (0.0005%); highest among the groups gnomAD compares: African/African-American, 0.011%; no homozygotes.

Submissions (2):

Ambry Genetics
Classification: Uncertain significance for Inborn genetic diseases. Last evaluated: 2025-04-13. Review status: criteria provided, single submitter. Criteria: Ambry Variant Classification Scheme 2023. Collection method: clinical testing. Allele origin: germline.

Labcorp Genetics (formerly Invitae), Labcorp
Classification: Uncertain significance. Last evaluated: 2022-07-05. Review status: criteria provided, single submitter. Criteria: Invitae Variant Classification Sherloc (09022015). Collection method: clinical testing. Allele origin: germline.
Comment: This sequence change replaces isoleucine, which is neutral and non-polar, with methionine, which is neutral and non-polar, at codon 443 of the SLC24A5 protein (p.Ile443Met). This variant is present in population databases (no rsID available, gnomAD 0.01%). This variant has not been reported in the literature in individuals affected with SLC24A5-related conditions. Algorithms developed to predict the effect of missense changes on protein structure and function are either unavailable or do not agree on the potential impact of this missense change (SIFT: "Deleterious"; PolyPhen-2: "Possibly Damaging"; Align-GVGD: "Class C0"). In summary, the available evidence is currently insufficient to determine the role of this variant in disease. Therefore, it has been classified as a Variant of Uncertain Significance.